The following is an entry in ClinVar:

ClinVar aggregate classification (germline): Uncertain significance. Review status: criteria provided, multiple submitters, no conflicts (2 of 4 stars). 2 submissions from 2 submitters: Uncertain significance (2). Last evaluated 2022-05-16.

Conditions:
Landau-Kleffner syndrome (FESD). Also called: EPILEPSY, FOCAL, WITH SPEECH DISORDER AND WITH OR WITHOUT MENTAL RETARDATION; APHASIA, ACQUIRED, WITH EPILEPSY. Identifiers: Orphanet 1945, Orphanet 725, Orphanet 98818, MedGen C0282512, MONDO:0009509, OMIM 245570.

Allele frequency attached by ClinVar (database versions not stated): gnomAD exomes below 0.00001.
gnomAD v4.1: 1 of 1,613,606 alleles (0.000062%); highest among the groups gnomAD compares: Non-Finnish European, 0.000085%; no homozygotes.

Submissions (2):

Laboratorio de Genetica e Diagnostico Molecular, Hospital Israelita Albert Einstein
Classification: Uncertain significance for Landau-Kleffner syndrome. Last evaluated: 2022-05-16. Review status: criteria provided, single submitter. Criteria: ACMG Guidelines, 2015. Collection method: clinical testing. Allele origin: germline. Affected: yes. Observed: 1 variant allele.
Comment: ACMG classification criteria: PM2 moderated

Labcorp Genetics (formerly Invitae), Labcorp
Classification: Uncertain significance for Landau-Kleffner syndrome. Last evaluated: 2022-03-11. Review status: criteria provided, single submitter. Criteria: Invitae Variant Classification Sherloc (09022015). Collection method: clinical testing. Allele origin: germline.
Comment: In summary, the available evidence is currently insufficient to determine the role of this variant in disease. Therefore, it has been classified as a Variant of Uncertain Significance. Advanced modeling of protein sequence and biophysical properties (such as structural, functional, and spatial information, amino acid conservation, physicochemical variation, residue mobility, and thermodynamic stability) performed at Invitae indicates that this missense variant is expected to disrupt GRIN2A protein function. ClinVar contains an entry for this variant (Variation ID: 956272). This variant has not been reported in the literature in individuals affected with GRIN2A-related conditions. This variant is not present in population databases (gnomAD no frequency). This sequence change replaces tyrosine, which is neutral and polar, with cysteine, which is neutral and slightly polar, at codon 478 of the GRIN2A protein (p.Tyr478Cys).

NM_001134407.3(GRIN2A):c.1433A>G (p.Tyr478Cys)

Gene: GRIN2A (glutamate ionotropic receptor NMDA type subunit 2A; minus strand). Cytogenetic location: 16p13.2.
Variant type: single nucleotide variant.
Coding change: c.1433A>G on transcript NM_001134407.3 (MANE Select); coding-DNA position 1433, A replaced by G.
Protein change: p.Tyr478Cys; replaces tyrosine 478 with cysteine.
Molecular consequence: missense variant.
Genome position (GRCh38, 1-based): chr16:9,841,000, T>C on the plus strand (A>G on the coding strand, the complement: GRIN2A is on the minus strand). VCF-style: chr16-9841000-T-C. GRCh37 (hg19) VCF-style: chr16-9934857-T-C.
Other names: c.1433A>G, p.Tyr478Cys (NM_000833.5, NM_001134408.2); short protein forms Y478C.
Identifiers: ClinVar variation 956272 (VCV000956272.8), dbSNP rs2042667439, ClinGen allele CA394800661.